The following is an entry in ClinVar:

NM_014806.5(RUSC2):c.1954G>A (p.Ala652Thr)

Gene: RUSC2 (RUN and SH3 domain containing 2; plus strand). Cytogenetic location: 9p13.3.
Variant type: single nucleotide variant.
Coding change: c.1954G>A on transcript NM_014806.5 (MANE Select); coding-DNA position 1954, G replaced by A.
Protein change: p.Ala652Thr; replaces alanine 652 with threonine.
Molecular consequence: missense variant. On other transcripts: intron variant (1).
Genome position (GRCh38, 1-based): chr9:35,548,475, G>A. VCF-style: chr9-35548475-G-A. GRCh37 (hg19) VCF-style: chr9-35548472-G-A.
Other names: c.1954G>A, p.Ala652Thr (NM_001135999.2); c.-620-6585G>A (NM_001330740.2); short protein forms A652T.
Identifiers: ClinVar variation 1357225 (VCV001357225.8), dbSNP rs1252900182, ClinGen allele CA373337064.

ClinVar aggregate classification (germline): Uncertain significance (1 of 4 stars; one submission).

Submission:

Labcorp Genetics (formerly Invitae), Labcorp
Classification: Uncertain significance. Last evaluated: 2021-06-19. Review status: criteria provided, single submitter. Criteria: Invitae Variant Classification Sherloc (09022015). Collection method: clinical testing. Allele origin: germline.
Comment: Algorithms developed to predict the effect of missense changes on protein structure and function (SIFT, PolyPhen-2, Align-GVGD) all suggest that this variant is likely to be tolerated, but these predictions have not been confirmed by published functional studies and their clinical significance is uncertain. In summary, the available evidence is currently insufficient to determine the role of this variant in disease. Therefore, it has been classified as a Variant of Uncertain Significance. This variant has not been reported in the literature in individuals with RUSC2-related conditions. This sequence change replaces alanine with threonine at codon 652 of the RUSC2 protein (p.Ala652Thr). The alanine residue is moderately conserved and there is a small physicochemical difference between alanine and threonine. This variant is not present in population databases (ExAC no frequency).